The following is an entry in ClinVar:

ClinVar aggregate classification (germline): Uncertain significance (1 of 4 stars; one submission).

Conditions:
Brody myopathy. Also called: BRODY DISEASE. Identifiers: Orphanet 53347, MedGen C1832918, MONDO:0010977, OMIM 601003.

Submission:

Labcorp Genetics (formerly Invitae), Labcorp
Classification: Uncertain significance for Brody myopathy. Last evaluated: 2022-10-18. Review status: criteria provided, single submitter. Criteria: Invitae Variant Classification Sherloc (09022015). Collection method: clinical testing. Allele origin: germline.
Comment: In summary, the available evidence is currently insufficient to determine the role of this variant in disease. Therefore, it has been classified as a Variant of Uncertain Significance. Algorithms developed to predict the effect of missense changes on protein structure and function (SIFT, PolyPhen-2, Align-GVGD) all suggest that this variant is likely to be tolerated. This variant has not been reported in the literature in individuals affected with ATP2A1-related conditions. This variant is not present in population databases (gnomAD no frequency). This sequence change replaces glutamic acid, which is acidic and polar, with aspartic acid, which is acidic and polar, at codon 646 of the ATP2A1 protein (p.Glu646Asp).

NM_004320.6(ATP2A1):c.1938G>C (p.Glu646Asp)

Gene: ATP2A1 (ATPase sarcoplasmic/endoplasmic reticulum Ca2+ transporting 1; plus strand). Cytogenetic location: 16p11.2.
Variant type: single nucleotide variant.
Coding change: c.1938G>C on transcript NM_004320.6 (MANE Select); coding-DNA position 1938, G replaced by C.
Protein change: p.Glu646Asp; replaces glutamic acid 646 with aspartic acid.
Molecular consequence: missense variant.
Genome position (GRCh38, 1-based): chr16:28,900,754, G>C. VCF-style: chr16-28900754-G-C. GRCh37 (hg19) VCF-style: chr16-28912075-G-C.
Other names: c.1563G>C, p.Glu521Asp (NM_001286075.2); c.1938G>C, p.Glu646Asp (NM_173201.5); short protein forms E646D, E521D.
Identifiers: ClinVar variation 2128445 (VCV002128445.4), dbSNP rs1596685210, ClinGen allele CA395411265.